The following is an entry in ClinVar:

ClinVar aggregate classification (germline): Likely benign. Review status: criteria provided, single submitter (1 of 4 stars). 2 submissions from 2 submitters: Likely benign (1). 1 of the submissions does not count toward it. Last evaluated 2025-06-22.

Conditions:
XPO5-related disorder. Also called: XPO5-related condition.

gnomAD v4.1: 2 of 1,614,008 alleles (0.00012%); highest among the groups gnomAD compares: Non-Finnish European, 0.00017%; no homozygotes.

Submissions (2):

Labcorp Genetics (formerly Invitae), Labcorp
Classification: Likely benign. Last evaluated: 2025-06-22. Review status: criteria provided, single submitter. Criteria: Invitae Variant Classification Sherloc (09022015). Collection method: clinical testing. Allele origin: germline.

PreventionGenetics, part of Exact Sciences
Classification: Likely benign for XPO5-related condition. Last evaluated: 2022-03-22. Review status: no assertion criteria provided. Collection method: clinical testing. Allele origin: germline. Not counted in ClinVar's aggregate classification.
Comment: This variant is classified as likely benign based on ACMG/AMP sequence variant interpretation guidelines (Richards et al. 2015 PMID: 25741868, with internal and published modifications).

NM_020750.3(XPO5):c.2652T>A (p.Pro884=)

Genes: POLR1C (RNA polymerase I and III subunit C; plus strand), XPO5 (exportin 5; minus strand). Cytogenetic location: 6p21.1.
Variant type: single nucleotide variant.
Coding change: c.2652T>A on transcript NM_020750.3 (MANE Select); coding-DNA position 2652, T replaced by A.
Protein change: p.Pro884=; no amino-acid change (proline 884 retained).
Molecular consequence: synonymous variant. On other transcripts: non-coding transcript variant (1), intron variant (1).
Genome position (GRCh38, 1-based): chr6:43,530,713, A>T on the plus strand (T>A on the coding strand, the complement: XPO5 is on the minus strand). VCF-style: chr6-43530713-A-T. GRCh37 (hg19) VCF-style: chr6-43498451-A-T.
Other names: c.922+9665A>T (NM_001363658.2).
Identifiers: ClinVar variation 3044918 (VCV003044918.3), dbSNP rs2482974302, ClinGen allele CA450296106.